The following is an entry in ClinVar:

NM_001330260.2(SCN8A):c.2894A>G (p.Asn965Ser)

Gene: SCN8A (sodium voltage-gated channel alpha subunit 8; plus strand). Cytogenetic location: 12q13.13.
Variant type: single nucleotide variant.
Coding change: c.2894A>G on transcript NM_001330260.2 (MANE Select); coding-DNA position 2894, A replaced by G.
Protein change: p.Asn965Ser; replaces asparagine 965 with serine.
Molecular consequence: missense variant.
Genome position (GRCh38, 1-based): chr12:51,766,020, A>G. VCF-style: chr12-51766020-A-G. GRCh37 (hg19) VCF-style: chr12-52159804-A-G.
Other names: c.2894A>G, p.Asn965Ser (NM_001177984.3, NM_001369788.1, NM_014191.4); short protein forms N965S.
Identifiers: ClinVar variation 1714615 (VCV001714615.5), dbSNP rs2540260718, ClinGen allele CA384890148.
Genomic context (GRCh38, chr12:51,766,020, plus strand): 5'-TGGAAGTGGCAGGCCAGGCCATGTGCCTCATTGTCTTTATGATGGTCATGGTGATTGGCA[A>G]CTTGGTGGTTAGTACTAATTTGTAGATATTTTTGTTCTACACCCTGAATATTCTACCCCT-3'
Protein context (NP_001317189.1, residues 955-975): IVFMMVMVIG[Asn965Ser]LVVLNLFLAL

ClinVar aggregate classification (germline): Uncertain significance (1 of 4 stars; one submission).

Conditions:
Early-infantile DEE. Also called: Early infantile epileptic encephalopathy with suppression bursts; Early infantile epileptic encephalopathy; Ohtahara syndrome. Identifiers: Orphanet 1934, MedGen C0393706, MONDO:0800491.

Submission:

Labcorp Genetics (formerly Invitae), Labcorp
Classification: Uncertain significance for Early-infantile DEE. Last evaluated: 2022-07-31. Review status: criteria provided, single submitter. Criteria: Invitae Variant Classification Sherloc (09022015). Collection method: clinical testing. Allele origin: germline.
Comment: In summary, the available evidence is currently insufficient to determine the role of this variant in disease. Therefore, it has been classified as a Variant of Uncertain Significance. Algorithms developed to predict the effect of missense changes on protein structure and function are either unavailable or do not agree on the potential impact of this missense change (SIFT: "Deleterious"; PolyPhen-2: "Probably Damaging"; Align-GVGD: "Class C0"). This variant has not been reported in the literature in individuals affected with SCN8A-related conditions. This variant is not present in population databases (gnomAD no frequency). This sequence change replaces asparagine, which is neutral and polar, with serine, which is neutral and polar, at codon 965 of the SCN8A protein (p.Asn965Ser).